The following is an entry in ClinVar:

NM_031935.3(HMCN1):c.10868C>G (p.Ala3623Gly)

Gene: HMCN1 (hemicentin 1; plus strand). Cytogenetic location: 1q31.1.
Variant type: single nucleotide variant.
Coding change: c.10868C>G on transcript NM_031935.3 (MANE Select); coding-DNA position 10868, C replaced by G.
Protein change: p.Ala3623Gly; replaces alanine 3623 with glycine.
Molecular consequence: missense variant.
Genome position (GRCh38, 1-based): chr1:186,108,476, C>G. VCF-style: chr1-186108476-C-G. GRCh37 (hg19) VCF-style: chr1-186077608-C-G.
Other names: c.10868C>G (NM_031935.2); short protein forms A3623G.
Identifiers: ClinVar variation 2137402 (VCV002137402.5), dbSNP rs774288745, ClinGen allele CA1293848.

ClinVar aggregate classification (germline): Uncertain significance. Review status: criteria provided, multiple submitters, no conflicts (2 of 4 stars). 2 submissions from 2 submitters: Uncertain significance (2). Last evaluated 2024-12-26.

Allele frequency attached by ClinVar (database versions not stated): gnomAD exomes below 0.00001; ExAC 0.00001; TOPMed 0.00003; gnomAD 0.00004.
gnomAD v4.1: 10 of 1,613,964 alleles (0.00062%); highest among the groups gnomAD compares: African/African-American, 0.011%; no homozygotes.

Submissions (2):

Labcorp Genetics (formerly Invitae), Labcorp
Classification: Uncertain significance. Last evaluated: 2024-12-26. Review status: criteria provided, single submitter. Criteria: Invitae Variant Classification Sherloc (09022015). Collection method: clinical testing. Allele origin: germline.
Comment: This sequence change replaces alanine, which is neutral and non-polar, with glycine, which is neutral and non-polar, at codon 3623 of the HMCN1 protein (p.Ala3623Gly). This variant is present in population databases (rs774288745, gnomAD 0.007%). This variant has not been reported in the literature in individuals affected with HMCN1-related conditions. ClinVar contains an entry for this variant (Variation ID: 2137402). An algorithm developed to predict the effect of missense changes on protein structure and function (PolyPhen-2) suggests that this variant is likely to be disruptive. In summary, the available evidence is currently insufficient to determine the role of this variant in disease. Therefore, it has been classified as a Variant of Uncertain Significance.

Ambry Genetics
Classification: Uncertain significance. Last evaluated: 2024-12-07. Review status: criteria provided, single submitter. Criteria: Ambry Variant Classification Scheme 2023. Collection method: clinical testing. Allele origin: germline.